The following is an entry in ClinVar:

ClinVar aggregate classification (germline): Conflicting classifications of pathogenicity. Review status: criteria provided, conflicting classifications (1 of 4 stars). 5 submissions from 5 submitters: Uncertain significance (4); Likely benign (1). Last evaluated 2025-11-26.

Conditions:
Inborn genetic diseases. Identifiers: MedGen C0950123, MeSH D030342.

Allele frequency attached by ClinVar (database versions not stated): gnomAD exomes 0.00004 and 0.00012; ESP Exome Variant Server 0.00010; gnomAD 0.00039; TOPMed 0.00039; 1000 Genomes Project 0.00040; ExAC 0.00053; 1000 Genomes Project 30x 0.00109.
gnomAD v4.1: 121 of 1,488,240 alleles (0.0081%); highest among the groups gnomAD compares: African/African-American, 0.15%; no homozygotes.

Submissions (5):

Ambry Genetics
Classification: Uncertain significance for Inborn genetic diseases. Last evaluated: 2025-11-26. Review status: criteria provided, single submitter. Criteria: Ambry Variant Classification Scheme 2023. Collection method: clinical testing. Allele origin: germline.

CeGaT Center for Human Genetics Tuebingen
Classification: Likely benign. Last evaluated: 2024-08-01. Review status: criteria provided, single submitter. Criteria: CeGaT Center For Human Genetics Tuebingen Variant Classification Criteria Version 2. Collection method: clinical testing. Allele origin: germline. Affected: yes. Observed: 1 variant allele.
Comment: OBSL1: PP2, BS1

Labcorp Genetics (formerly Invitae), Labcorp
Classification: Uncertain significance. Last evaluated: 2022-07-19. Review status: criteria provided, single submitter. Criteria: Invitae Variant Classification Sherloc (09022015). Collection method: clinical testing. Allele origin: germline.
Comment: This sequence change replaces alanine, which is neutral and non-polar, with threonine, which is neutral and polar, at codon 27 of the OBSL1 protein (p.Ala27Thr). The frequency data for this variant in the population databases is considered unreliable, as metrics indicate poor data quality at this position in the gnomAD database. This variant has not been reported in the literature in individuals affected with OBSL1-related conditions. ClinVar contains an entry for this variant (Variation ID: 1432688). Algorithms developed to predict the effect of missense changes on protein structure and function output the following: SIFT: "Tolerated"; PolyPhen-2: "Benign"; Align-GVGD: "Class C0". The threonine amino acid residue is found in multiple mammalian species, which suggests that this missense change does not adversely affect protein function. In summary, the available evidence is currently insufficient to determine the role of this variant in disease. Therefore, it has been classified as a Variant of Uncertain Significance.

GeneDx
Classification: Uncertain significance. Last evaluated: 2022-02-09. Review status: criteria provided, single submitter. Criteria: GeneDx Variant Classification Process June 2021. Collection method: clinical testing. Allele origin: germline. Affected: yes.
Comment: In silico analysis supports that this missense variant does not alter protein structure/function; Has not been previously published as pathogenic or benign to our knowledge

Breakthrough Genomics
Classification: Uncertain significance. Review status: criteria provided, single submitter. Criteria: ACMG Guidelines, 2015. Collection method: not provided. Allele origin: germline. Inheritance: Autosomal recessive inheritance. Affected: yes.

NM_015311.3(OBSL1):c.79G>A (p.Ala27Thr)

Gene: OBSL1 (obscurin like cytoskeletal adaptor 1; minus strand). Cytogenetic location: 2q35.
Variant type: single nucleotide variant.
Coding change: c.79G>A on transcript NM_015311.3 (MANE Select); coding-DNA position 79, G replaced by A.
Protein change: p.Ala27Thr; replaces alanine 27 with threonine.
Molecular consequence: missense variant.
Genome position (GRCh38, 1-based): chr2:219,571,154, C>T on the plus strand (G>A on the coding strand, the complement: OBSL1 is on the minus strand). VCF-style: chr2-219571154-C-T. GRCh37 (hg19) VCF-style: chr2-220435876-C-T.
Other names: c.79G>A, p.Ala27Thr (NM_001173408.2, NM_001173431.2); short protein forms A27T.
Identifiers: ClinVar variation 1432688 (VCV001432688.21), dbSNP rs373427330, ClinGen allele CA2131831.
Genomic context (GRCh38, chr2:219,571,154, plus strand): 5'-TCTCCCACACCACTACAGGCGGCGGCTCCCCCAGGACCACGCACTTGAGCTCGGCCTCGG[C>T]GCCACTTACCACCCGCACAGGCCGCGGGAAGCGCAGGAAGCACGGGGGGCTCCCCTGATC-3'
Protein context (NP_056126.1, residues 17-37): FPRPVRVVSG[Ala27Thr]EAELKCVVLG